The following is an entry in ClinVar:

ClinVar aggregate classification (germline): Likely pathogenic (1 of 4 stars; one submission).

Conditions:
Familial cancer of breast. Also called: BREAST CANCER, FAMILIAL; hereditary breast carcinoma; Hereditary breast cancer. Identifiers: Orphanet 227535, MedGen C0346153, MONDO:0016419, OMIM 114480. Disease mechanism: loss of function.

Submission:

Labcorp Genetics (formerly Invitae), Labcorp
Classification: Likely pathogenic for Familial cancer of breast. Last evaluated: 2017-11-03. Review status: criteria provided, single submitter. Criteria: Invitae Variant Classification Sherloc (09022015). Collection method: clinical testing. Allele origin: germline.
Comment: This variant is a gross duplication of the genomic region encompassing exons 2-3 of the BARD1 gene. While the exact position of the duplicated exons cannot be determined from this data, sub-genic duplications are generally in tandem (PMID: 25640679) and may result in an absent or disrupted protein product. This variant has not been reported in the literature in individuals with BARD1-related disease. Loss-of-function variants in BARD1 are known to be pathogenic (PMID: 20077502, 21344236). In summary, the currently available evidence indicates that the variant is pathogenic, but additional data are needed to prove that conclusively. Therefore, this variant has been classified as Likely Pathogenic.

Single allele

Gene: BARD1 (BRCA1 associated RING domain 1; minus strand). Cytogenetic location: 2q35.
Variant type: Duplication.
Identifiers: ClinVar variation 460646 (VCV000460646.2).